The following is an entry in ClinVar:

ClinVar aggregate classification (germline): Likely benign (1 of 4 stars; one submission).

Allele frequency attached by ClinVar (database versions not stated): 1000 Genomes Project 0.00220; 1000 Genomes Project 30x 0.00250.
gnomAD v4.1: 1,118 of 234,552 alleles (0.48%); highest among the groups gnomAD compares: Non-Finnish European, 0.73%; 11 homozygotes.

Submission:

CeGaT Center for Human Genetics Tuebingen
Classification: Likely benign. Last evaluated: 2026-09-01. Review status: criteria provided, single submitter. Criteria: CeGaT Center For Human Genetics Tuebingen Variant Classification Criteria Version 2. Collection method: clinical testing. Allele origin: germline. Affected: yes. Observed: 10 variant alleles.
Comment: C5: BS2

NM_001735.3(C5):c.2563-2271G>T

Gene: C5 (complement C5; minus strand). Cytogenetic location: 9q33.2.
Variant type: single nucleotide variant.
Coding change: c.2563-2271G>T on transcript NM_001735.3 (MANE Select); 2271 bases into the intron before coding-DNA position 2563, G replaced by T.
Molecular consequence: intron variant. On other transcripts: missense variant (1).
Genome position (GRCh38, 1-based): chr9:121,000,045, C>A on the plus strand (G>T on the coding strand, the complement: C5 is on the minus strand). VCF-style: chr9-121000045-C-A. GRCh37 (hg19) VCF-style: chr9-123762323-C-A.
Other names: c.2569G>T, p.Ala857Ser (NM_001317164.2); c.2581-2271G>T (NM_001317163.2); short protein forms A857S.
Identifiers: ClinVar variation 2673190 (VCV002673190.23), dbSNP rs139479771, ClinGen allele CA5217739.